The following is an entry in ClinVar:

NM_001278064.2(GRM1):c.3207G>A (p.Pro1069=)

Gene: GRM1 (glutamate metabotropic receptor 1; plus strand). Cytogenetic location: 6q24.3.
Variant type: single nucleotide variant.
Coding change: c.3207G>A on transcript NM_001278064.2 (MANE Select); coding-DNA position 3207, G replaced by A.
Protein change: p.Pro1069=; no amino-acid change (proline 1069 retained).
Molecular consequence: synonymous variant. On other transcripts: 3 prime UTR variant (3).
Genome position (GRCh38, 1-based): chr6:146,434,418, G>A. VCF-style: chr6-146434418-G-A. GRCh37 (hg19) VCF-style: chr6-146755554-G-A.
Other names: c.*571G>A (NM_001278065.2); c.*536G>A (NM_001278066.1); c.*445G>A (NM_001278067.1).
Identifiers: ClinVar variation 2684217 (VCV002684217.1), dbSNP rs1178387181, ClinGen allele CA452728042.

ClinVar aggregate classification (germline): Uncertain significance (1 of 4 stars; one submission).

gnomAD v4.1: 1 of 1,613,388 alleles (0.000062%); highest among the groups gnomAD compares: African/African-American, 0.0013%; no homozygotes.

Submission:

Athena Diagnostics
Classification: Uncertain significance. Last evaluated: 2023-01-13. Review status: criteria provided, single submitter. Criteria: Athena Diagnostics Criteria. Collection method: clinical testing. Allele origin: unknown.
Comment: Available data are insufficient to determine the clinical significance of the variant at this time. This variant has not been reported in large, multi-ethnic general populations. Computational tools yielded predictions that this variant is unlikely to have an effect on normal RNA splicing.